The following is an entry in ClinVar:

ClinVar aggregate classification (germline): Likely benign (1 of 4 stars; one submission).

Conditions:
Hypertrophic cardiomyopathy. Also called: HYPERTROPHIC MYOCARDIOPATHY. Identifiers: Orphanet 217569, MedGen C0007194, MeSH D002312, MONDO:0005045, HP:0001639.

Allele frequency attached by ClinVar (database versions not stated): gnomAD exomes below 0.00001.
gnomAD v4.1: 1 of 1,612,412 alleles (0.000062%); no homozygotes.

Submission:

All of Us Research Program, National Institutes of Health
Classification: Likely benign for Hypertrophic cardiomyopathy. Last evaluated: 2023-04-03. Review status: criteria provided, single submitter. Criteria: ACMG Guidelines, 2015. Collection method: clinical testing. Allele origin: germline. Inheritance: Autosomal dominant inheritance. Observed: 1 variant allele, 1 heterozygote.
Comment: This study involves interpretation of variants in research participants for the purpose of population health screening. Participant phenotype was not available at the time of variant classification. Additional details can be found in publication PMID: 35346344, PMCID: PMC8962531

NM_001018005.2(TPM1):c.432G>A (p.Gln144=)

Gene: TPM1 (tropomyosin 1; plus strand). Cytogenetic location: 15q22.2.
Variant type: single nucleotide variant.
Coding change: c.432G>A on transcript NM_001018005.2 (MANE Select); coding-DNA position 432, G replaced by A.
Protein change: p.Gln144=; no amino-acid change (glutamine 144 retained).
Molecular consequence: synonymous variant. On other transcripts: non-coding transcript variant (17).
Genome position (GRCh38, 1-based): chr15:63,059,620, G>A. VCF-style: chr15-63059620-G-A. GRCh37 (hg19) VCF-style: chr15-63351819-G-A.
Other names: c.432G>A, p.Gln144= (NM_001301244.2, NM_001365776.1, NM_001365777.1 and 20 more transcripts); c.324G>A, p.Gln108= (NM_001301289.2, NM_001330344.2, NM_001330346.2 and 9 more transcripts); c.558G>A, p.Gln186= (NM_001365778.1, NM_001407322.1, NM_001407323.1 and 1 more transcripts).
Identifiers: ClinVar variation 3070275 (VCV003070275.1), dbSNP rs1475839079, ClinGen allele CA490693044.